The following is an entry in ClinVar:

NM_000303.3(PMM2):c.372del (p.Asn124fs)

Gene: PMM2 (phosphomannomutase 2; plus strand). Cytogenetic location: 16p13.2.
Variant type: Deletion.
Coding change: c.372del on transcript NM_000303.3 (MANE Select); coding-DNA position 372, one base deleted (T; older notation c.372delT).
Protein change: p.Asn124fs; shifts the reading frame from asparagine 124.
Molecular consequence: frameshift variant.
Genome position (GRCh38, 1-based): chr16:8,811,103, T deleted. VCF-style (leftmost placement, unchanged base first): chr16-8811102-AT-A. GRCh37 (hg19) VCF-style: chr16-8904959-AT-A.
Other names: short protein forms N124fs.
Identifiers: ClinVar variation 4880625 (VCV004880625.2).

ClinVar aggregate classification (germline): Likely pathogenic (1 of 4 stars; one submission).

Conditions:
PMM2-congenital disorder of glycosylation. Also called: CDG Ia; JAEKEN SYNDROME; PHOSPHOMANNOMUTASE 2 DEFICIENCY; CARBOHYDRATE-DEFICIENT GLYCOPROTEIN SYNDROME, TYPE Ia; PMM2-CDG; Congenital disorder of glycosylation, type Ia. Identifiers: Orphanet 79318, MedGen C0349653, MONDO:0008907, OMIM 212065.

Submission:

Dasa
Classification: Likely pathogenic for PMM2-congenital disorder of glycosylation. Last evaluated: 2025-07-18. Review status: criteria provided, single submitter. Criteria: DASA Assertion Criteria. Collection method: clinical testing. Allele origin: germline.
Comment: NM_000303.3(PMM2):c.372del (p.Asn124Lysfs*4) is a frameshift variant in PMM2 predicted to alter the reading frame and introduce a premature termination codon and is predicted to result in an absent or altered protein product. Loss of function is an established disease mechanism for PMM2-associated disorders. Also, this variant is absent from population databases. Based on the currently available evidence, this variant is classified as likely pathogenic.